The following is an entry in ClinVar:

NM_004621.6(TRPC6):c.2391A>C (p.Glu797Asp)

Gene: TRPC6 (transient receptor potential cation channel subfamily C member 6; minus strand). Cytogenetic location: 11q22.1.
Variant type: single nucleotide variant.
Coding change: c.2391A>C on transcript NM_004621.6 (MANE Select); coding-DNA position 2391, A replaced by C.
Protein change: p.Glu797Asp; replaces glutamic acid 797 with aspartic acid.
Molecular consequence: missense variant.
Genome position (GRCh38, 1-based): chr11:101,471,201, T>G on the plus strand (A>C on the coding strand, the complement: TRPC6 is on the minus strand). VCF-style: chr11-101471201-T-G. GRCh37 (hg19) VCF-style: chr11-101341932-T-G.
Other names: short protein forms E797D.
Identifiers: ClinVar variation 1311304 (VCV001311304.3), dbSNP rs866820243, ClinGen allele CA227509531.

ClinVar aggregate classification (germline): Uncertain significance. Review status: criteria provided, multiple submitters, no conflicts (2 of 4 stars). 2 submissions from 2 submitters: Uncertain significance (2). Last evaluated 2024-07-25.

Conditions:
Inborn genetic diseases. Identifiers: MedGen C0950123, MeSH D030342.

Allele frequency attached by ClinVar (database versions not stated): gnomAD exomes 0.00002.
gnomAD v4.1: 12 of 1,613,892 alleles (0.00074%); highest among the groups gnomAD compares: Middle Eastern, 0.2%; no homozygotes.

Submissions (2):

Ambry Genetics
Classification: Uncertain significance for Inborn genetic diseases. Last evaluated: 2024-07-25. Review status: criteria provided, single submitter. Criteria: Ambry Variant Classification Scheme 2023. Collection method: clinical testing. Allele origin: germline.

GeneDx
Classification: Uncertain significance. Last evaluated: 2019-09-10. Review status: criteria provided, single submitter. Criteria: GeneDx Variant Classification Process June 2021. Collection method: clinical testing. Allele origin: germline. Affected: yes.
Comment: Not observed in large population cohorts (Lek et al., 2016); In silico analysis, which includes protein predictors and evolutionary conservation, supports that this variant does not alter protein structure/function; Has not been previously published as pathogenic or benign to our knowledge